The following is an entry in ClinVar:

ClinVar aggregate classification (germline): Likely benign (1 of 4 stars; one submission).

Conditions:
Aneurysm-osteoarthritis syndrome. Also called: SMAD3-Related Loeys-Dietz Syndrome; ANEURYSMS-OSTEOARTHRITIS SYNDROME; Loeys-Dietz syndrome, type 1C; LOEYS-DIETZ SYNDROME WITH OSTEOARTHRITIS. Identifiers: Orphanet 284984, MedGen C3151087, MONDO:0013426, OMIM 613795.

Submission:

All of Us Research Program, National Institutes of Health
Classification: Likely benign for Aneurysm-osteoarthritis syndrome. Last evaluated: 2023-06-08. Review status: criteria provided, single submitter. Criteria: ACMG Guidelines, 2015. Collection method: clinical testing. Allele origin: germline. Inheritance: Autosomal dominant inheritance. Observed: 1 variant allele, 1 heterozygote.
Comment: This study involves interpretation of variants in research participants for the purpose of population health screening. Participant phenotype was not available at the time of variant classification. Additional details can be found in publication PMID: 35346344, PMCID: PMC8962531

NM_005902.4(SMAD3):c.567A>G (p.Gly189=)

Gene: SMAD3 (SMAD family member 3; plus strand). Cytogenetic location: 15q22.33.
Variant type: single nucleotide variant.
Coding change: c.567A>G on transcript NM_005902.4 (MANE Select); coding-DNA position 567, A replaced by G.
Protein change: p.Gly189=; no amino-acid change (glycine 189 retained).
Molecular consequence: synonymous variant. On other transcripts: 5 prime UTR variant (2).
Genome position (GRCh38, 1-based): chr15:67,166,813, A>G. VCF-style: chr15-67166813-A-G. GRCh37 (hg19) VCF-style: chr15-67459151-A-G.
Other names: c.252A>G, p.Gly84= (NM_001145102.2, NM_001407016.1); c.435A>G, p.Gly145= (NM_001145103.2, NM_001407012.1); c.-19A>G (NM_001145104.2, NM_001407017.1); c.567A>G, p.Gly189= (NM_001407011.1, NM_001407013.1); c.420A>G, p.Gly140= (NM_001407014.1); c.120A>G, p.Gly40= (NM_001407015.1).
Identifiers: ClinVar variation 3071617 (VCV003071617.1), dbSNP rs1313114326, ClinGen allele CA490911990.
Genomic context (GRCh38, chr15:67,166,813, plus strand): 5'-CAGACCACCTTCCTTCTGATTCCCAGAGACCCCACCCCCTGGCTACCTGAGTGAAGATGG[A>G]GAAACCAGTGACCACCAGATGAACCACAGCATGGACGCAGGTCAGTCATGCAGGGTCATG-3'
Protein context (NP_005893.1, residues 179-199): TPPPGYLSED[Gly189=]ETSDHQMNHS